The following is an entry in ClinVar:

ClinVar aggregate classification (germline): Conflicting classifications of pathogenicity. Review status: criteria provided, conflicting classifications (1 of 4 stars). 8 submissions from 8 submitters: Uncertain significance (1); Benign (1); Likely benign (4). 2 of the submissions do not count toward it. Last evaluated 2026-01-24.

Conditions:
SACS-related disorder. Also called: SACS-related condition.
Spastic paraplegia. Identifiers: MedGen C0037772, HP:0001258.
Charlevoix-Saguenay spastic ataxia (SACS). Also called: SPASTIC ATAXIA 6, AUTOSOMAL RECESSIVE; AUTOSOMAL RECESSIVE SPASTIC ATAXIA OF CHARLEVOIX-SAGUENAY; Spastic ataxia of Charlevoix-Saguenay. Identifiers: Orphanet 98, MedGen C1849140, MONDO:0010041, OMIM 270550.

Allele frequency attached by ClinVar (database versions not stated): TOPMed 0.00191; 1000 Genomes Project 0.00060; ESP Exome Variant Server 0.00146; gnomAD exomes 0.00035; 1000 Genomes Project 30x 0.00062; gnomAD 0.00151 and 0.00168; ExAC 0.00045.
gnomAD v4.1: 444 of 1,613,802 alleles (0.028%); highest among the groups gnomAD compares: African/African-American, 0.54%; 1 homozygote.

Submissions (8):

Labcorp Genetics (formerly Invitae), Labcorp
Classification: Likely benign for Spastic paraplegia. Last evaluated: 2026-01-24. Review status: criteria provided, single submitter. Criteria: Invitae Variant Classification Sherloc (09022015). Collection method: clinical testing. Allele origin: germline.

Mayo Clinic Laboratories, Mayo Clinic
Classification: Likely benign. Last evaluated: 2025-09-14. Review status: criteria provided, single submitter. Criteria: ACMG Guidelines, 2015. Collection method: clinical testing. Allele origin: germline. Observed: 2 variant alleles.
Comment: BS1, BP4

Athena Diagnostics
Classification: Benign. Last evaluated: 2024-04-10. Review status: criteria provided, single submitter. Criteria: Athena Diagnostics Criteria. Collection method: clinical testing. Allele origin: unknown.

Genome-Nilou Lab
Classification: Likely benign for Charlevoix-Saguenay spastic ataxia. Last evaluated: 2021-09-05. Review status: criteria provided, single submitter. Criteria: ACMG Guidelines, 2015. Collection method: clinical testing. Allele origin: germline. Affected: no.

Illumina Laboratory Services, Illumina
Classification: Uncertain significance for Charlevoix-Saguenay spastic ataxia. Last evaluated: 2018-01-12. Review status: criteria provided, single submitter. Criteria: ICSL Variant Classification Criteria 13 December 2019. Collection method: clinical testing. Allele origin: germline.

Eurofins Ntd Llc (ga)
Classification: Likely benign. Last evaluated: 2016-03-21. Review status: criteria provided, single submitter. Criteria: EGL Classification Definitions 2015. Collection method: clinical testing. Allele origin: germline. Observed: 1 variant allele, 1 heterozygote.

PreventionGenetics, part of Exact Sciences
Classification: Likely benign for SACS-related condition. Last evaluated: 2022-05-31. Review status: no assertion criteria provided. Collection method: clinical testing. Allele origin: germline. Not counted in ClinVar's aggregate classification.
Comment: This variant is classified as likely benign based on ACMG/AMP sequence variant interpretation guidelines (Richards et al. 2015 PMID: 25741868, with internal and published modifications).

Natera, Inc.
Classification: Uncertain significance for Charlevoix-Saguenay type spastic ataxia. Last evaluated: 2019-12-31. Review status: no assertion criteria provided. Collection method: clinical testing. Allele origin: germline. Not counted in ClinVar's aggregate classification.

Literature cited by the submitters: PubMed 23280630 (cited by Athena Diagnostics).

NM_014363.6(SACS):c.10274A>G (p.Lys3425Arg)

Gene: SACS (sacsin molecular chaperone; minus strand). Cytogenetic location: 13q12.12.
Variant type: single nucleotide variant.
Coding change: c.10274A>G on transcript NM_014363.6 (MANE Select); coding-DNA position 10274, A replaced by G.
Protein change: p.Lys3425Arg; replaces lysine 3425 with arginine.
Molecular consequence: missense variant.
Genome position (GRCh38, 1-based): chr13:23,333,602, T>C on the plus strand (A>G on the coding strand, the complement: SACS is on the minus strand). VCF-style: chr13-23333602-T-C. GRCh37 (hg19) VCF-style: chr13-23907741-T-C.
Other names: c.9833A>G, p.Lys3278Arg (NM_001278055.2); short protein forms K3425R, K3278R.
Identifiers: ClinVar variation 286521 (VCV000286521.29), dbSNP rs147317123, ClinGen allele CA6910476.